The following is an entry in ClinVar:

NM_018263.6(ASXL2):c.2302G>A (p.Val768Ile)

Gene: ASXL2 (ASXL transcriptional regulator 2; minus strand). Cytogenetic location: 2p23.3.
Variant type: single nucleotide variant.
Coding change: c.2302G>A on transcript NM_018263.6 (MANE Select); coding-DNA position 2302, G replaced by A.
Protein change: p.Val768Ile; replaces valine 768 with isoleucine.
Molecular consequence: missense variant.
Genome position (GRCh38, 1-based): chr2:25,744,035, C>T on the plus strand (G>A on the coding strand, the complement: ASXL2 is on the minus strand). VCF-style: chr2-25744035-C-T. GRCh37 (hg19) VCF-style: chr2-25966904-C-T.
Other names: c.2128G>A, p.Val710Ile (NM_001369346.1); c.1522G>A, p.Val508Ile (NM_001369347.1); short protein forms V768I, V508I, V710I.
Identifiers: ClinVar variation 1924643 (VCV001924643.19), dbSNP rs2087896961, ClinGen allele CA346081432.

ClinVar aggregate classification (germline): Conflicting classifications of pathogenicity. Review status: criteria provided, conflicting classifications (1 of 4 stars). 2 submissions from 2 submitters: Uncertain significance (1); Likely benign (1). Last evaluated 2024-10-01.

Allele frequency attached by ClinVar (database versions not stated): gnomAD exomes below 0.00001.
gnomAD v4.1: 7 of 1,614,018 alleles (0.00043%); highest among the groups gnomAD compares: Middle Eastern, 0.049%; no homozygotes.

Submissions (2):

CeGaT Center for Human Genetics Tuebingen
Classification: Likely benign. Last evaluated: 2024-10-01. Review status: criteria provided, single submitter. Criteria: CeGaT Center For Human Genetics Tuebingen Variant Classification Criteria Version 2. Collection method: clinical testing. Allele origin: germline. Affected: yes. Observed: 1 variant allele.
Comment: ASXL2: BP4

Labcorp Genetics (formerly Invitae), Labcorp
Classification: Uncertain significance. Last evaluated: 2022-11-22. Review status: criteria provided, single submitter. Criteria: Invitae Variant Classification Sherloc (09022015). Collection method: clinical testing. Allele origin: germline.
Comment: This sequence change replaces valine, which is neutral and non-polar, with isoleucine, which is neutral and non-polar, at codon 768 of the ASXL2 protein (p.Val768Ile). This variant is not present in population databases (gnomAD no frequency). This variant has not been reported in the literature in individuals affected with ASXL2-related conditions. Advanced modeling of protein sequence and biophysical properties (such as structural, functional, and spatial information, amino acid conservation, physicochemical variation, residue mobility, and thermodynamic stability) performed at Invitae indicates that this missense variant is not expected to disrupt ASXL2 protein function. In summary, the available evidence is currently insufficient to determine the role of this variant in disease. Therefore, it has been classified as a Variant of Uncertain Significance.